The following is an entry in ClinVar:

ClinVar aggregate classification (germline): Uncertain significance (1 of 4 stars; one submission).

Conditions:
Idiopathic generalized epilepsy. Also called: Generalised epilepsy; EIG. Identifiers: MedGen C0270850, MONDO:0005579, OMIM 600669.

Submission:

Labcorp Genetics (formerly Invitae), Labcorp
Classification: Uncertain significance for Idiopathic generalized epilepsy. Last evaluated: 2022-08-09. Review status: criteria provided, single submitter. Criteria: Invitae Variant Classification Sherloc (09022015). Collection method: clinical testing. Allele origin: germline.
Comment: In summary, the available evidence is currently insufficient to determine the role of this variant in disease. Therefore, it has been classified as a Variant of Uncertain Significance. Variants that disrupt the consensus splice site are a relatively common cause of aberrant splicing (PMID: 17576681, 9536098). Algorithms developed to predict the effect of sequence changes on RNA splicing suggest that this variant is not likely to affect RNA splicing. ClinVar contains an entry for this variant (Variation ID: 863011). This variant has not been reported in the literature in individuals affected with RBFOX1-related conditions. This variant is not present in population databases (gnomAD no frequency). This sequence change falls in intron 12 of the RBFOX1 gene. It does not directly change the encoded amino acid sequence of the RBFOX1 protein. It affects a nucleotide within the consensus splice site.

Literature cited by the submitters: PubMed 17576681; PubMed 9536098.

NM_018723.4(RBFOX1):c.1071+5G>T

Genes: RBFOX1 (RNA binding fox-1 homolog 1; plus strand), LOC126862279 (MED14-independent group 3 enhancer GRCh37_chr16:7758954-7760153; plus strand). Cytogenetic location: 16p13.3.
Variant type: single nucleotide variant.
Coding change: c.1071+5G>T on transcript NM_018723.4 (MANE Select); 5 bases into the intron after coding-DNA position 1071, G replaced by T.
Molecular consequence: intron variant.
Genome position (GRCh38, 1-based): chr16:7,709,136, G>T. VCF-style: chr16-7709136-G-T. GRCh37 (hg19) VCF-style: chr16-7759138-G-T.
Other names: c.1124+5G>T (NM_001364800.2); c.990+5G>T (NM_001142333.2); c.1200+5G>T (NM_001308117.1); c.1071+5G>T (NM_001142334.2); c.1187+5G>T (NM_145893.3); c.1134+5G>T (NM_145891.3, NM_145892.3).
Identifiers: ClinVar variation 863011 (VCV000863011.8), dbSNP rs1387824991, ClinGen allele CA916083481.